The following is an entry in ClinVar:

ClinVar aggregate classification (germline): Uncertain significance (1 of 4 stars; one submission).

gnomAD v4.1: 2 of 1,606,888 alleles (0.00012%); highest among the groups gnomAD compares: Non-Finnish European, 0.00017%; no homozygotes.

Submission:

Labcorp Genetics (formerly Invitae), Labcorp
Classification: Uncertain significance. Last evaluated: 2025-04-14. Review status: criteria provided, single submitter. Criteria: Invitae Variant Classification Sherloc (09022015). Collection method: clinical testing. Allele origin: germline.
Comment: This sequence change replaces glutamic acid, which is acidic and polar, with glycine, which is neutral and non-polar, at codon 1979 of the HMCN1 protein (p.Glu1979Gly). This variant is not present in population databases (gnomAD no frequency). This variant has not been reported in the literature in individuals affected with HMCN1-related conditions. An algorithm developed to predict the effect of missense changes on protein structure and function outputs the following: PolyPhen-2: "Benign". The glycine amino acid residue is found in multiple mammalian species, which suggests that this missense change does not adversely affect protein function. In summary, the available evidence is currently insufficient to determine the role of this variant in disease. Therefore, it has been classified as a Variant of Uncertain Significance.

NM_031935.3(HMCN1):c.5936A>G (p.Glu1979Gly)

Gene: HMCN1 (hemicentin 1; plus strand). Cytogenetic location: 1q31.1.
Variant type: single nucleotide variant.
Coding change: c.5936A>G on transcript NM_031935.3 (MANE Select); coding-DNA position 5936, A replaced by G.
Protein change: p.Glu1979Gly; replaces glutamic acid 1979 with glycine.
Molecular consequence: missense variant.
Genome position (GRCh38, 1-based): chr1:186,038,913, A>G. VCF-style: chr1-186038913-A-G. GRCh37 (hg19) VCF-style: chr1-186008045-A-G.
Other names: short protein forms E1979G.
Identifiers: ClinVar variation 4702830 (VCV004702830.1).
Genomic context (GRCh38, chr1:186,038,913, plus strand): 5'-GTCTACTCTCAGGTTCCACCAGCATGACTTTCTTGAACAGAGGACAGATCATTGATATTG[A>G]AAGTGCCCAGATCTCAGATGCTGGCATATATAAATGCGTGGCCATCAACTCAGCTGGAGC-3'
Protein context (NP_114141.2, residues 1969-1989): FLNRGQIIDI[Glu1979Gly]SAQISDAGIY